The following is an entry in ClinVar:

ClinVar aggregate classification (germline): Uncertain significance (1 of 4 stars; one submission).

Conditions:
Hereditary cancer-predisposing syndrome. Also called: Tumor predisposition; Neoplastic Syndromes, Hereditary; Hereditary Cancer Syndrome; Hereditary neoplastic syndrome. Identifiers: Orphanet 140162, MedGen C0027672, MeSH D009386, MONDO:0015356.

Submission:

Ambry Genetics
Classification: Uncertain significance for Hereditary cancer-predisposing syndrome. Last evaluated: 2024-12-06. Review status: criteria provided, single submitter. Criteria: Ambry Variant Classification Scheme 2023. Collection method: clinical testing. Allele origin: germline.
Comment: The p.S364Y variant (also known as c.1091C>A), located in coding exon 9 of the EGFR gene, results from a C to A substitution at nucleotide position 1091. The serine at codon 364 is replaced by tyrosine, an amino acid with dissimilar properties. This amino acid position is conserved. In addition, this alteration is predicted to be tolerated by in silico analysis. Based on the available evidence, the clinical significance of this variant remains unclear.

NM_005228.5(EGFR):c.1091C>A (p.Ser364Tyr)

Genes: EGFR (epidermal growth factor receptor; plus strand), LOC126860048 (P300/CBP strongly-dependent group 1 enhancer GRCh37_chr7:55223847-55225046; plus strand). Cytogenetic location: 7p11.2.
Variant type: single nucleotide variant.
Coding change: c.1091C>A on transcript NM_005228.5 (MANE Select); coding-DNA position 1091, C replaced by A.
Protein change: p.Ser364Tyr; replaces serine 364 with tyrosine.
Molecular consequence: missense variant.
Genome position (GRCh38, 1-based): chr7:55,156,617, C>A. VCF-style: chr7-55156617-C-A. GRCh37 (hg19) VCF-style: chr7-55224310-C-A.
Other names: c.956C>A, p.Ser319Tyr (NM_001346897.2, NM_001346899.2); c.1091C>A, p.Ser364Tyr (NM_001346898.2, NM_201282.2, NM_201283.2 and 1 more transcripts); c.932C>A, p.Ser311Tyr (NM_001346900.2); c.290C>A, p.Ser97Tyr (NM_001346941.2); short protein forms S311Y, S97Y, S319Y, S364Y.
Identifiers: ClinVar variation 3507179 (VCV003507179.1).